The following is an entry in ClinVar:

NM_003073.5(SMARCB1):c.740C>T (p.Ser247Phe)

Gene: SMARCB1 (SWI/SNF related BAF chromatin remodeling complex subunit B1; plus strand). Cytogenetic location: 22q11.23.
Variant type: single nucleotide variant.
Coding change: c.740C>T on transcript NM_003073.5 (MANE Select); coding-DNA position 740, C replaced by T.
Protein change: p.Ser247Phe; replaces serine 247 with phenylalanine.
Molecular consequence: missense variant.
Genome position (GRCh38, 1-based): chr22:23,816,881, C>T. VCF-style: chr22-23816881-C-T. GRCh37 (hg19) VCF-style: chr22-24159068-C-T.
Other names: c.713C>T, p.Ser238Phe (NM_001007468.3); c.767C>T, p.Ser256Phe (NM_001317946.2); c.794C>T, p.Ser265Phe (NM_001362877.2); short protein forms S238F, S256F, S265F, S247F.
Identifiers: ClinVar variation 4741993 (VCV004741993.1).

ClinVar aggregate classification (germline): Uncertain significance (1 of 4 stars; one submission).

Submission:

Labcorp Genetics (formerly Invitae), Labcorp
Classification: Uncertain significance. Last evaluated: 2025-12-26. Review status: criteria provided, single submitter. Criteria: Invitae Variant Classification Sherloc (09022015). Collection method: clinical testing. Allele origin: germline.
Comment: This sequence change replaces serine, which is neutral and polar, with phenylalanine, which is neutral and non-polar, at codon 247 of the SMARCB1 protein (p.Ser247Phe). This variant is not present in population databases (gnomAD no frequency). This variant has not been reported in the literature in individuals affected with SMARCB1-related conditions. Invitae Evidence Modeling of protein sequence and biophysical properties (such as structural, functional, and spatial information, amino acid conservation, physicochemical variation, residue mobility, and thermodynamic stability) indicates that this missense variant is not expected to disrupt SMARCB1 protein function with a negative predictive value of 80%. In summary, the available evidence is currently insufficient to determine the role of this variant in disease. Therefore, it has been classified as a Variant of Uncertain Significance.